The following is an entry in ClinVar:

ClinVar aggregate classification (germline): Uncertain significance (1 of 4 stars; one submission).

Submission:

GeneDx
Classification: Uncertain significance. Last evaluated: 2017-08-05. Review status: criteria provided, single submitter. Criteria: GeneDx Variant Classification (06012015). Collection method: clinical testing. Allele origin: germline. Affected: yes.
Comment: The c.599_601delAGAinsCTG variant in the ABCC9 gene has not been reported previously as a pathogenic variant nor as a benign variant, to our knowledge. The c.599_601delAGAinsCTG variant causes an in-frame substitution of Glutamine 200 and Lysine 201 for a Proline and Glutamic acid, denoted p.Gln200_Lys201delinsProGlu. Although the substitutions of these two residues occur at positions that are conserved across species, in silico analysis predicts that the c.599_601delAGAinsCTG variant likely does not alter the protein structure/function. This variant is not observed in large population cohorts (Lek et al., 2016; 1000 Genomes Consortium et al., 2015; Exome Variant Server). We interpret c.599_601delAGAinsCTG as a variant of uncertain significance.

NM_020297.4(ABCC9):c.599_601delinsCTG (p.Gln200_Lys201delinsProGlu)

Gene: ABCC9 (ATP binding cassette subfamily C member 9; minus strand). Cytogenetic location: 12p12.1.
Variant type: Indel.
Coding change: c.599_601delinsCTG on transcript NM_020297.4 (MANE Select); coding-DNA positions 599 to 601, AGA replaced by CTG.
Protein change: p.Gln200_Lys201delinsProGlu.
Molecular consequence: missense variant. On other transcripts: intron variant (1).
Genome position (GRCh38, 1-based): chr12:21,915,883-21,915,885, TCT replaced by CAG on the plus strand (AGA replaced by CTG on the coding strand, the reverse complement: ABCC9 is on the minus strand). VCF-style: chr12-21915883-TCT-CAG. GRCh37 (hg19) VCF-style: chr12-22068817-TCT-CAG.
Other names: c.599_601delinsCTG, p.Gln200_Lys201delinsProGlu (NM_001377273.1, NM_005691.4); c.-48-2819_-48-2817delinsCTG (NM_001377274.1).
Identifiers: ClinVar variation 451306 (VCV000451306.1), dbSNP rs1555116594, ClinGen allele CA658656288.